The following is an entry in ClinVar:

NM_004456.5(EZH2):c.578C>G (p.Pro193Arg)

Gene: EZH2 (enhancer of zeste 2 polycomb repressive complex 2 subunit; minus strand). Cytogenetic location: 7q36.1.
Variant type: single nucleotide variant.
Coding change: c.578C>G on transcript NM_004456.5 (MANE Select); coding-DNA position 578, C replaced by G.
Protein change: p.Pro193Arg; replaces proline 193 with arginine.
Molecular consequence: missense variant.
Genome position (GRCh38, 1-based): chr7:148,828,787, G>C on the plus strand (C>G on the coding strand, the complement: EZH2 is on the minus strand). VCF-style: chr7-148828787-G-C. GRCh37 (hg19) VCF-style: chr7-148525879-G-C.
Other names: c.578C>G, p.Pro193Arg (NM_001203247.2); c.551C>G, p.Pro184Arg (NM_001203248.2, NM_001203249.2); c.461C>G, p.Pro154Arg (NM_152998.3); short protein forms P154R, P184R, P193R.
Identifiers: ClinVar variation 3698588 (VCV003698588.2).

ClinVar aggregate classification (germline): Uncertain significance (1 of 4 stars; one submission).

Conditions:
Weaver syndrome (WVS). Also called: Weaver Smith syndrome; Overgrowth syndrome with accelerated skeletal maturation, unusual facies, and camptodactyly. Identifiers: Orphanet 3447, MedGen C0265210, MONDO:0010193, OMIM 277590.

Submission:

Labcorp Genetics (formerly Invitae), Labcorp
Classification: Uncertain significance for Weaver syndrome. Last evaluated: 2024-11-18. Review status: criteria provided, single submitter. Criteria: Invitae Variant Classification Sherloc (09022015). Collection method: clinical testing. Allele origin: germline.
Comment: This sequence change replaces proline, which is neutral and non-polar, with arginine, which is basic and polar, at codon 193 of the EZH2 protein (p.Pro193Arg). This variant is not present in population databases (gnomAD no frequency). This variant has not been reported in the literature in individuals affected with EZH2-related conditions. Invitae Evidence Modeling of protein sequence and biophysical properties (such as structural, functional, and spatial information, amino acid conservation, physicochemical variation, residue mobility, and thermodynamic stability) indicates that this missense variant is not expected to disrupt EZH2 protein function with a negative predictive value of 80%. In summary, the available evidence is currently insufficient to determine the role of this variant in disease. Therefore, it has been classified as a Variant of Uncertain Significance.